The following is an entry in ClinVar:

NM_002972.4(SBF1):c.608C>T (p.Ser203Leu)

Gene: SBF1 (SET binding factor 1; minus strand). Cytogenetic location: 22q13.33.
Variant type: single nucleotide variant.
Coding change: c.608C>T on transcript NM_002972.4 (MANE Select); coding-DNA position 608, C replaced by T.
Protein change: p.Ser203Leu; replaces serine 203 with leucine.
Molecular consequence: missense variant.
Genome position (GRCh38, 1-based): chr22:50,466,652, G>A on the plus strand (C>T on the coding strand, the complement: SBF1 is on the minus strand). VCF-style: chr22-50466652-G-A. GRCh37 (hg19) VCF-style: chr22-50905081-G-A.
Other names: c.611C>T, p.Ser204Leu (NM_001365819.1); short protein forms S204L, S203L.
Identifiers: ClinVar variation 1498746 (VCV001498746.23), dbSNP rs970529797, ClinGen allele CA412222035.

ClinVar aggregate classification (germline): Uncertain significance. Review status: criteria provided, multiple submitters, no conflicts (2 of 4 stars). 3 submissions from 3 submitters: Uncertain significance (3). Last evaluated 2024-07-01.

Allele frequency attached by ClinVar (database versions not stated): gnomAD exomes 0.00002.
gnomAD v4.1: 33 of 1,551,350 alleles (0.0021%); highest among the groups gnomAD compares: Non-Finnish European, 0.0024%; no homozygotes.

Submissions (3):

CeGaT Center for Human Genetics Tuebingen
Classification: Uncertain significance. Last evaluated: 2024-07-01. Review status: criteria provided, single submitter. Criteria: CeGaT Center For Human Genetics Tuebingen Variant Classification Criteria Version 2. Collection method: clinical testing. Allele origin: germline. Affected: yes. Observed: 1 variant allele.
Comment: SBF1: PM2

Blueprint Genetics
Classification: Uncertain significance. Last evaluated: 2023-06-06. Review status: criteria provided, single submitter. Criteria: ACMG Guidelines, 2015. Collection method: clinical testing. Allele origin: germline.

Labcorp Genetics (formerly Invitae), Labcorp
Classification: Uncertain significance. Last evaluated: 2021-08-30. Review status: criteria provided, single submitter. Criteria: Invitae Variant Classification Sherloc (09022015). Collection method: clinical testing. Allele origin: germline.
Comment: This sequence change replaces serine with leucine at codon 203 of the SBF1 protein (p.Ser203Leu). The serine residue is moderately conserved and there is a large physicochemical difference between serine and leucine. This variant is not present in population databases (ExAC no frequency). This variant has not been reported in the literature in individuals affected with SBF1-related conditions. Algorithms developed to predict the effect of missense changes on protein structure and function are either unavailable or do not agree on the potential impact of this missense change (SIFT: "Deleterious"; PolyPhen-2: "Possibly Damaging"; Align-GVGD: "Class C0"). In summary, the available evidence is currently insufficient to determine the role of this variant in disease. Therefore, it has been classified as a Variant of Uncertain Significance.